The following is an entry in ClinVar:

NM_006796.3(AFG3L2):c.1326T>G (p.Asn442Lys)

Gene: AFG3L2 (AFG3 like matrix AAA peptidase subunit 2; minus strand). Cytogenetic location: 18p11.21.
Variant type: single nucleotide variant.
Coding change: c.1326T>G on transcript NM_006796.3 (MANE Select); coding-DNA position 1326, T replaced by G.
Protein change: p.Asn442Lys; replaces asparagine 442 with lysine.
Molecular consequence: missense variant.
Genome position (GRCh38, 1-based): chr18:12,351,406, A>C on the plus strand (T>G on the coding strand, the complement: AFG3L2 is on the minus strand). VCF-style: chr18-12351406-A-C. GRCh37 (hg19) VCF-style: chr18-12351405-A-C.
Other names: short protein forms N442K.
Identifiers: ClinVar variation 3600565 (VCV003600565.1).
Genomic context (GRCh38, chr18:12,351,406, plus strand): 5'-CGCGGGGTCCAGGATATCTGGTCGATTGGTGCCGGCCAAAATGACGACATTTGTTGTTGT[A>C]TTAAAACCTGAAAGATAACAAAAATGCAAACACTATTAAATGACAAGAGGCAGAAAGCAA-3'
Protein context (NP_006787.2, residues 432-452): NQLLVEMDGF[Asn442Lys]TTTNVVILAG

ClinVar aggregate classification (germline): Uncertain significance (1 of 4 stars; one submission).

gnomAD v4.1: 1 of 1,614,138 alleles (0.000062%); highest among the groups gnomAD compares: Non-Finnish European, 0.000085%; no homozygotes.

Submission:

GeneDx
Classification: Uncertain significance. Last evaluated: 2024-07-25. Review status: criteria provided, single submitter. Criteria: GeneDx Variant Classification Process June 2021. Collection method: clinical testing. Allele origin: germline. Affected: yes.
Comment: Not observed at significant frequency in large population cohorts (gnomAD); In silico analysis supports that this missense variant has a deleterious effect on protein structure/function; Has not been previously published as pathogenic or benign to our knowledge